The following is an entry in ClinVar:

NM_004006.3(DMD):c.3254A>G (p.Lys1085Arg)

Gene: DMD (dystrophin; minus strand). Cytogenetic location: Xp21.1.
Variant type: single nucleotide variant.
Coding change: c.3254A>G on transcript NM_004006.3 (MANE Select); coding-DNA position 3254, A replaced by G.
Protein change: p.Lys1085Arg; replaces lysine 1085 with arginine.
Molecular consequence: missense variant.
Genome position (GRCh38, 1-based): chrX:32,464,608, T>C on the plus strand (A>G on the coding strand, the complement: DMD is on the minus strand). VCF-style: chrX-32464608-T-C. GRCh37 (hg19) VCF-style: chrX-32482725-T-C.
Other names: c.3230A>G, p.Lys1077Arg (NM_000109.4); c.3242A>G, p.Lys1081Arg (NM_004009.3); c.2885A>G, p.Lys962Arg (NM_004010.3); short protein forms K962R, K1085R, K1077R, K1081R.
Identifiers: ClinVar variation 1427417 (VCV001427417.8), dbSNP rs2148427430, ClinGen allele CA412664775.

ClinVar aggregate classification (germline): Uncertain significance (1 of 4 stars; one submission).

Conditions:
Duchenne muscular dystrophy (DMD). Also called: MUSCULAR DYSTROPHY, PSEUDOHYPERTROPHIC PROGRESSIVE, DUCHENNE TYPE; Duchenne Muscular Dystrophy (DMD). Identifiers: Orphanet 98896, MedGen C0013264, MONDO:0010679, OMIM 310200.

Submission:

Labcorp Genetics (formerly Invitae), Labcorp
Classification: Uncertain significance for Duchenne muscular dystrophy. Last evaluated: 2021-05-13. Review status: criteria provided, single submitter. Criteria: Invitae Variant Classification Sherloc (09022015). Collection method: clinical testing. Allele origin: germline.
Comment: In summary, the available evidence is currently insufficient to determine the role of this variant in disease. Therefore, it has been classified as a Variant of Uncertain Significance. Algorithms developed to predict the effect of missense changes on protein structure and function (SIFT, PolyPhen-2, Align-GVGD) all suggest that this variant is likely to be tolerated, but these predictions have not been confirmed by published functional studies and their clinical significance is uncertain. This variant has not been reported in the literature in individuals with DMD-related conditions. This variant is not present in population databases (ExAC no frequency). This sequence change replaces lysine with arginine at codon 1085 of the DMD protein (p.Lys1085Arg). The lysine residue is moderately conserved and there is a small physicochemical difference between lysine and arginine.